The following is an entry in ClinVar:

NM_002691.4(POLD1):c.3125C>T (p.Ser1042Phe)

Gene: POLD1 (DNA polymerase delta 1, catalytic subunit; plus strand). Cytogenetic location: 19q13.33.
Variant type: single nucleotide variant.
Coding change: c.3125C>T on transcript NM_002691.4 (MANE Select); coding-DNA position 3125, C replaced by T.
Protein change: p.Ser1042Phe; replaces serine 1042 with phenylalanine.
Molecular consequence: missense variant. On other transcripts: non-coding transcript variant (1).
Genome position (GRCh38, 1-based): chr19:50,417,176, C>T. VCF-style: chr19-50417176-C-T. GRCh37 (hg19) VCF-style: chr19-50920433-C-T.
Other names: c.3125C>T, p.Ser1042Phe (NM_001256849.1); c.3203C>T, p.Ser1068Phe (NM_001308632.1); short protein forms S1042F, S1068F.
Identifiers: ClinVar variation 2719386 (VCV002719386.3), dbSNP rs370868833, ClinGen allele CA406987255.
Genomic context (GRCh38, chr19:50,417,176, plus strand): 5'-GAGGAGGGGCCAGGTGGGGAGGCGGGGGCGCCCTGCTCAGCCGCTGCCGTCCCCAGGTAT[C>T]CCATCTGAATGCCCTGGAGGAGCGCTTCTCGCGCCTCTGGACGCAGTGCCAGCGCTGCCA-3'
Protein context (NP_002682.2, residues 1032-1052): RESELYQKEV[Ser1042Phe]HLNALEERFS

ClinVar aggregate classification (germline): Uncertain significance (1 of 4 stars; one submission).

Conditions:
POLD1-related polyposis and colorectal cancer syndrome (CRCS10). Also called: Colorectal cancer 10; Colorectal cancer, susceptibility to, 10; COLORECTAL CANCER, SUSCEPTIBILITY TO, ON CHROMOSOME 19q. Identifiers: Orphanet 220460, MedGen C2675481, MONDO:0012953, OMIM 612591.

Submission:

Labcorp Genetics (formerly Invitae), Labcorp
Classification: Uncertain significance for POLD1-related polyposis and colorectal cancer syndrome. Last evaluated: 2025-05-05. Review status: criteria provided, single submitter. Criteria: Invitae Variant Classification Sherloc (09022015). Collection method: clinical testing. Allele origin: germline.
Comment: This sequence change replaces serine, which is neutral and polar, with phenylalanine, which is neutral and non-polar, at codon 1042 of the POLD1 protein (p.Ser1042Phe). This variant is not present in population databases (gnomAD no frequency). This variant has not been reported in the literature in individuals affected with POLD1-related conditions. ClinVar contains an entry for this variant (Variation ID: 2719386). Invitae Evidence Modeling of protein sequence and biophysical properties (such as structural, functional, and spatial information, amino acid conservation, physicochemical variation, residue mobility, and thermodynamic stability) indicates that this missense variant is not expected to disrupt POLD1 protein function with a negative predictive value of 80%. In summary, the available evidence is currently insufficient to determine the role of this variant in disease. Therefore, it has been classified as a Variant of Uncertain Significance.